The following is an entry in ClinVar:

ClinVar aggregate classification (germline): Uncertain significance (1 of 4 stars; one submission).

gnomAD v4.1: 11 of 1,613,780 alleles (0.00068%); highest among the groups gnomAD compares: East Asian, 0.025%; no homozygotes.

Submission:

Labcorp Genetics (formerly Invitae), Labcorp
Classification: Uncertain significance. Last evaluated: 2024-03-07. Review status: criteria provided, single submitter. Criteria: Invitae Variant Classification Sherloc (09022015). Collection method: clinical testing. Allele origin: germline.
Comment: This sequence change falls in intron 6 of the MS4A1 gene. It does not directly change the encoded amino acid sequence of the MS4A1 protein. It affects a nucleotide within the consensus splice site. This variant is not present in population databases (gnomAD no frequency). This variant has not been reported in the literature in individuals affected with MS4A1-related conditions. Variants that disrupt the consensus splice site are a relatively common cause of aberrant splicing (PMID: 17576681, 9536098). Algorithms developed to predict the effect of sequence changes on RNA splicing suggest that this variant may disrupt the consensus splice site. In summary, the available evidence is currently insufficient to determine the role of this variant in disease. Therefore, it has been classified as a Variant of Uncertain Significance.

Literature cited by the submitters: PubMed 17576681; PubMed 9536098.

NM_152866.3(MS4A1):c.574-3C>A

Gene: MS4A1 (membrane spanning 4-domains A1; plus strand). Cytogenetic location: 11q12.2.
Variant type: single nucleotide variant.
Coding change: c.574-3C>A on transcript NM_152866.3 (MANE Select); 3 bases into the intron before coding-DNA position 574, C replaced by A.
Molecular consequence: intron variant.
Genome position (GRCh38, 1-based): chr11:60,466,956, C>A. VCF-style: chr11-60466956-C-A. GRCh37 (hg19) VCF-style: chr11-60234429-C-A.
Other names: c.574-3C>A (NM_152867.2, NM_021950.4).
Identifiers: ClinVar variation 3622424 (VCV003622424.2).
Genomic context (GRCh38, chr11:60,466,956, plus strand): 5'-ACACCAACAATGTTCTTTGTGCCATTATTACATTTTCACCTTCATTCTTCTGTTGTTTTT[C>A]AGGGCATTTTGTCAGTGATGCTGATCTTTGCCTTCTTCCAGGAACTTGTAATAGCTGGCA-3'